The following is an entry in ClinVar:

NM_018706.7(DHTKD1):c.186dup (p.Tyr63fs)

Gene: DHTKD1 (dehydrogenase E1 and transketolase domain containing 1; plus strand). Cytogenetic location: 10p14.
Variant type: Duplication.
Coding change: c.186dup on transcript NM_018706.7 (MANE Select); coding-DNA position 186, one base duplicated (A; older notation c.186dupA).
Protein change: p.Tyr63fs; shifts the reading frame from tyrosine 63.
Molecular consequence: frameshift variant.
Genome position (GRCh38, 1-based): chr10:12,081,503, A duplicated. VCF-style (leftmost placement, unchanged base first): chr10-12081502-T-TA. GRCh37 (hg19) VCF-style: chr10-12123501-T-TA.
Other names: short protein forms Y63fs.
Identifiers: ClinVar variation 1421380 (VCV001421380.6), dbSNP rs1383399355, ClinGen allele CA591543817.

ClinVar aggregate classification (germline): Pathogenic (1 of 4 stars; one submission).

Conditions:
2-aminoadipic 2-oxoadipic aciduria (AAKAD). Also called: ALPHA-AMINOADIPIC AND ALPHA-KETOADIPIC ACIDURIA; Aminoadipic aciduria. Identifiers: Orphanet 79154, MedGen C1859817, MONDO:0008774, OMIM 204750.

Allele frequency attached by ClinVar (database versions not stated): gnomAD exomes below 0.00001; TOPMed below 0.00001; gnomAD 0.00001.

Submission:

Labcorp Genetics (formerly Invitae), Labcorp
Classification: Pathogenic for 2-aminoadipic 2-oxoadipic aciduria. Last evaluated: 2021-10-04. Review status: criteria provided, single submitter. Criteria: Invitae Variant Classification Sherloc (09022015). Collection method: clinical testing. Allele origin: germline.
Comment: This sequence change creates a premature translational stop signal (p.Tyr63Ilefs*3) in the DHTKD1 gene. It is expected to result in an absent or disrupted protein product. Loss-of-function variants in DHTKD1 are known to be pathogenic (PMID: 23141293, 25860818). This variant is not present in population databases (ExAC no frequency). This premature translational stop signal has been observed in individual(s) with 2-aminoadipic 2-oxoadipic aciduria (PMID: 25860818). This variant is also known as c.86dup (p.Y63IfsX3). For these reasons, this variant has been classified as Pathogenic.

Literature cited by the submitters: PubMed 23141293; PubMed 25860818.